The following is an entry in ClinVar:

NM_021224.6(ZNF462):c.3111_3131delinsA (p.Phe1037fs)

Gene: ZNF462 (zinc finger protein 462; plus strand). Cytogenetic location: 9q31.2.
Variant type: Indel.
Coding change: c.3111_3131delinsA on transcript NM_021224.6 (MANE Select); coding-DNA positions 3111 to 3131, TGCAAGCCCCAACATGCATTC replaced by A.
Protein change: p.Phe1037fs; shifts the reading frame from phenylalanine 1037.
Molecular consequence: frameshift variant.
Genome position (GRCh38, 1-based): chr9:106,927,023-106,927,043, TGCAAGCCCCAACATGCATTC replaced by A. VCF-style: chr9-106927023-TGCAAGCCCCAACATGCATTC-A. GRCh37 (hg19) VCF-style: chr9-109689304-TGCAAGCCCCAACATGCATTC-A.
Other names: c.3111_3131delinsA, p.Phe1037fs (NM_001347997.2); short protein forms F1037fs.
Identifiers: ClinVar variation 3376290 (VCV003376290.1).

ClinVar aggregate classification (germline): Pathogenic (1 of 4 stars; one submission).

Conditions:
Weiss-Kruszka syndrome. Also called: Metopic ridging-ptosis-facial dysmorphism syndrome. Identifiers: Orphanet 502430, MedGen C5568107, MONDO:0032836, OMIM 618619.

Submission:

Pittsburgh Clinical Genomics Laboratory, University of Pittsburgh Medical Center
Classification: Pathogenic for Weiss-Kruszka syndrome. Last evaluated: 2023-08-03. Review status: criteria provided, single submitter. Criteria: ACMG Guidelines, 2015. Collection method: clinical testing. Allele origin: germline. Inheritance: Autosomal dominant inheritance. Affected: yes.
Comment: This sequence variant is a deletion of 21 nucleotides and insertion of an A nucleotide in exon 3 of 12 of the ZNF462 gene which results in an early termition sigl 19 codons downstream of the frameshift introduced at Phe1037. This variant is predicted to generate a non-functiol allele through either the expression of a truncated protein or a loss of zinc finger protein 462 expression due to nonsense-mediated decay. This variant is absent from ClinVar and from the gnomAD population database (0/~282,000 alleles). Haploinsufficiency in ZNF462 is a known mechanism of disease. Based upon the evidence, we consider this variant to be pathogenic. ACMG Criteria: PM2, PS2, PVS1